The following is an entry in ClinVar:

ClinVar aggregate classification (germline): Uncertain significance (0 of 4 stars; one submission).

Conditions:
COL2A1-related disorder. Also called: COL2A1-related condition; COL2A1-related disorders.

Submission:

PreventionGenetics, part of Exact Sciences
Classification: Uncertain significance for COL2A1-related condition. Last evaluated: 2024-08-27. Review status: no assertion criteria provided. Collection method: clinical testing. Allele origin: germline.
Comment: The COL2A1 c.607A>G variant is predicted to result in the amino acid substitution p.Met203Val. This variant is located near the end of an exon and predicted to cause a minor splicing defect at the consensus splice site based on available splicing prediction programs (Alamut Visual Plus v1.6.1). However, the use of computer prediction programs is not equivalent to functional evidence. To our knowledge, this variant has not been reported in the literature or in a large population database, indicating this variant is rare. At this time, the clinical significance of this variant is uncertain due to the absence of conclusive functional and genetic evidence.

NM_001844.5(COL2A1):c.607A>G (p.Met203Val)

Gene: COL2A1 (collagen type II alpha 1 chain; minus strand). Cytogenetic location: 12q13.11.
Variant type: single nucleotide variant.
Coding change: c.607A>G on transcript NM_001844.5 (MANE Select); coding-DNA position 607, A replaced by G.
Protein change: p.Met203Val; replaces methionine 203 with valine.
Molecular consequence: missense variant.
Genome position (GRCh38, 1-based): chr12:47,996,550, T>C on the plus strand (A>G on the coding strand, the complement: COL2A1 is on the minus strand). VCF-style: chr12-47996550-T-C. GRCh37 (hg19) VCF-style: chr12-48390333-T-C.
Other names: c.400A>G, p.Met134Val (NM_033150.3); short protein forms M134V, M203V.
Identifiers: ClinVar variation 3355349 (VCV003355349.1).